The following is an entry in ClinVar:

NM_004304.5(ALK):c.4318G>A (p.Ala1440Thr)

Gene: ALK (ALK receptor tyrosine kinase; minus strand). Cytogenetic location: 2p23.2.
Variant type: single nucleotide variant.
Coding change: c.4318G>A on transcript NM_004304.5 (MANE Select); coding-DNA position 4318, G replaced by A.
Protein change: p.Ala1440Thr; replaces alanine 1440 with threonine.
Molecular consequence: missense variant.
Genome position (GRCh38, 1-based): chr2:29,193,769, C>T on the plus strand (G>A on the coding strand, the complement: ALK is on the minus strand). VCF-style: chr2-29193769-C-T. GRCh37 (hg19) VCF-style: chr2-29416635-C-T.
Other names: c.1114G>A, p.Ala372Thr (NM_001353765.2); short protein forms A372T, A1440T.
Identifiers: ClinVar variation 952972 (VCV000952972.10), dbSNP rs1307483937, ClinGen allele CA346462652.
Genomic context (GRCh38, chr2:29,193,769, plus strand): 5'-CTGCAGCTGTGGGTTTCTTTGCAGCCTTGCCAGAGGAGGTGGTAGGCAGAGGTGGTGGGG[C>T]AGCTGGGCTGCGCTCCTCCTCCCGTTTTGCCTGTTGAGAGACCAGGAGAGGAGGAACCCC-3'
Protein context (NP_004295.2, residues 1430-1450): AKREEERSPA[Ala1440Thr]PPPLPTTSSG

ClinVar aggregate classification (germline): Uncertain significance. Review status: criteria provided, multiple submitters, no conflicts (2 of 4 stars). 2 submissions from 2 submitters: Uncertain significance (2). Last evaluated 2026-03-06.

Conditions:
Hereditary cancer-predisposing syndrome. Also called: Tumor predisposition; Hereditary neoplastic syndrome; Hereditary Cancer Syndrome; Neoplastic Syndromes, Hereditary. Identifiers: Orphanet 140162, MedGen C0027672, MeSH D009386, MONDO:0015356.
Neuroblastoma, susceptibility to, 3. Also called: ALK-Related Neuroblastic Tumor Susceptibility. Identifiers: Orphanet 635, MedGen C2751681, MONDO:0013083, OMIM 613014.

Submissions (2):

Ambry Genetics
Classification: Uncertain significance for Hereditary cancer-predisposing syndrome. Last evaluated: 2026-03-06. Review status: criteria provided, single submitter. Criteria: Ambry Variant Classification Scheme 2023. Collection method: clinical testing. Allele origin: germline.
Comment: The p.A1440T variant (also known as c.4318G>A), located in coding exon 29 of the ALK gene, results from a G to A substitution at nucleotide position 4318. The alanine at codon 1440 is replaced by threonine, an amino acid with similar properties. This amino acid position is conserved. In addition, this alteration is predicted to be tolerated by in silico analysis. Based on the available evidence, the clinical significance of this variant remains unclear.

Labcorp Genetics (formerly Invitae), Labcorp
Classification: Uncertain significance for Neuroblastoma, susceptibility to, 3. Last evaluated: 2024-08-24. Review status: criteria provided, single submitter. Criteria: Invitae Variant Classification Sherloc (09022015). Collection method: clinical testing. Allele origin: germline.
Comment: This sequence change replaces alanine, which is neutral and non-polar, with threonine, which is neutral and polar, at codon 1440 of the ALK protein (p.Ala1440Thr). This variant is not present in population databases (gnomAD no frequency). This variant has not been reported in the literature in individuals affected with ALK-related conditions. ClinVar contains an entry for this variant (Variation ID: 952972). An algorithm developed to predict the effect of missense changes on protein structure and function (PolyPhen-2) suggests that this variant is likely to be tolerated. In summary, the available evidence is currently insufficient to determine the role of this variant in disease. Therefore, it has been classified as a Variant of Uncertain Significance.